The following is an entry in ClinVar:

ClinVar aggregate classification (germline): Uncertain significance. Review status: criteria provided, multiple submitters, no conflicts (2 of 4 stars). 2 submissions from 2 submitters: Uncertain significance (2). Last evaluated 2025-01-23.

Conditions:
Immunodeficiency. Identifiers: MedGen C0021051, MONDO:0021094, HP:0002721.

Allele frequency attached by ClinVar (database versions not stated): gnomAD exomes below 0.00001; ExAC 0.00001; gnomAD 0.00001; TOPMed 0.00003.
gnomAD v4.1: 5 of 1,614,088 alleles (0.00031%); highest among the groups gnomAD compares: Admixed American, 0.0033%; no homozygotes.

Submissions (2):

Ambry Genetics
Classification: Uncertain significance. Last evaluated: 2025-01-23. Review status: criteria provided, single submitter. Criteria: Ambry Variant Classification Scheme 2023. Collection method: clinical testing. Allele origin: germline.

Labcorp Genetics (formerly Invitae), Labcorp
Classification: Uncertain significance for Immunodeficiency. Last evaluated: 2023-08-24. Review status: criteria provided, single submitter. Criteria: Invitae Variant Classification Sherloc (09022015). Collection method: clinical testing. Allele origin: germline.
Comment: In summary, the available evidence is currently insufficient to determine the role of this variant in disease. Therefore, it has been classified as a Variant of Uncertain Significance. An algorithm developed to predict the effect of missense changes on protein structure and function (PolyPhen-2) suggests that this variant is likely to be disruptive. ClinVar contains an entry for this variant (Variation ID: 1422182). This variant has not been reported in the literature in individuals affected with NFAT5-related conditions. This variant is present in population databases (rs759052772, gnomAD no frequency). This sequence change replaces glutamic acid, which is acidic and polar, with alanine, which is neutral and non-polar, at codon 797 of the NFAT5 protein (p.Glu797Ala).

NM_138713.4(NFAT5):c.2672A>C (p.Glu891Ala)

Gene: NFAT5 (nuclear factor of activated T cells 5; plus strand). Cytogenetic location: 16q22.1.
Variant type: single nucleotide variant.
Coding change: c.2672A>C on transcript NM_138713.4 (MANE Select); coding-DNA position 2672, A replaced by C.
Protein change: p.Glu891Ala; replaces glutamic acid 891 with alanine.
Molecular consequence: missense variant.
Genome position (GRCh38, 1-based): chr16:69,692,497, A>C. VCF-style: chr16-69692497-A-C. GRCh37 (hg19) VCF-style: chr16-69726400-A-C.
Other names: c.2669A>C, p.Glu890Ala (NM_001113178.3); c.1997A>C, p.Glu666Ala (NM_001367709.1); c.2618A>C, p.Glu873Ala (NM_006599.4); c.2390A>C, p.Glu797Ala (NM_138714.4, NM_173214.3, NM_173215.3); c.2672A>C (NM_138713.3); short protein forms E666A, E797A, E873A, E891A, E890A.
Identifiers: ClinVar variation 1422182 (VCV001422182.7), dbSNP rs759052772, ClinGen allele CA8135783.